The following is an entry in ClinVar:

NM_001040616.3(LINS1):c.1887C>T (p.Tyr629=)

Gene: LINS1 (lines homolog 1; minus strand). Cytogenetic location: 15q26.3.
Variant type: single nucleotide variant.
Coding change: c.1887C>T on transcript NM_001040616.3 (MANE Select); coding-DNA position 1887, C replaced by T.
Protein change: p.Tyr629=; no amino-acid change (tyrosine 629 retained).
Molecular consequence: synonymous variant. On other transcripts: non-coding transcript variant (3).
Genome position (GRCh38, 1-based): chr15:100,569,625, G>A on the plus strand (C>T on the coding strand, the complement: LINS1 is on the minus strand). VCF-style: chr15-100569625-G-A. GRCh37 (hg19) VCF-style: chr15-101109830-G-A.
Other names: c.1140C>T, p.Tyr380= (NM_001352507.2); c.1734C>T, p.Tyr578= (NM_001352508.2).
Identifiers: ClinVar variation 435757 (VCV000435757.37), dbSNP rs61999313, ClinGen allele CA7759320.

ClinVar aggregate classification (germline): Benign/Likely benign. Review status: criteria provided, multiple submitters, no conflicts (2 of 4 stars). 5 submissions from 5 submitters: Benign (1); Likely benign (4). Last evaluated 2024-09-01.

Conditions:
Inborn genetic diseases. Identifiers: MedGen C0950123, MeSH D030342.

Allele frequency attached by ClinVar (database versions not stated): gnomAD exomes 0.00077; ExAC 0.00087; 1000 Genomes Project 30x 0.00172; 1000 Genomes Project 0.00180; gnomAD 0.00290 and 0.00313; TOPMed 0.00323; ESP Exome Variant Server 0.00338.
gnomAD v4.1: 859 of 1,613,218 alleles (0.053%); highest among the groups gnomAD compares: African/African-American, 0.93%; 4 homozygotes.

Submissions (5):

CeGaT Center for Human Genetics Tuebingen
Classification: Likely benign. Last evaluated: 2024-09-01. Review status: criteria provided, single submitter. Criteria: CeGaT Center For Human Genetics Tuebingen Variant Classification Criteria Version 2. Collection method: clinical testing. Allele origin: germline. Affected: yes. Observed: 3 variant alleles.
Comment: LINS1: BP4, BP7

Labcorp Genetics (formerly Invitae), Labcorp
Classification: Benign. Last evaluated: 2019-12-31. Review status: criteria provided, single submitter. Criteria: Invitae Variant Classification Sherloc (09022015). Collection method: clinical testing. Allele origin: germline.

Genetic Services Laboratory, University of Chicago
Classification: Likely benign. Last evaluated: 2016-06-22. Review status: criteria provided, single submitter. Criteria: ACMG Guidelines, 2015. Collection method: clinical testing. Allele origin: germline. Affected: no.

Ambry Genetics
Classification: Likely benign for Inborn genetic diseases. Last evaluated: 2016-03-16. Review status: criteria provided, single submitter. Criteria: Ambry Variant Classification Scheme 2023. Collection method: clinical testing. Allele origin: germline.

Breakthrough Genomics
Classification: Likely benign. Review status: criteria provided, single submitter. Criteria: ACMG Guidelines, 2015. Collection method: not provided. Allele origin: germline. Inheritance: Autosomal recessive inheritance. Affected: yes.